The following is an entry in ClinVar:

NM_001042492.3(NF1):c.5179C>A (p.Pro1727Thr)

Gene: NF1 (neurofibromin 1; plus strand). Cytogenetic location: 17q11.2.
Variant type: single nucleotide variant.
Coding change: c.5179C>A on transcript NM_001042492.3 (MANE Select); coding-DNA position 5179, C replaced by A.
Protein change: p.Pro1727Thr; replaces proline 1727 with threonine.
Molecular consequence: missense variant.
Genome position (GRCh38, 1-based): chr17:31,326,163, C>A. VCF-style: chr17-31326163-C-A. GRCh37 (hg19) VCF-style: chr17-29653181-C-A.
Other names: c.5116C>A, p.Pro1706Thr (NM_000267.4); short protein forms P1706T, P1727T.
Identifiers: ClinVar variation 3360051 (VCV003360051.1).
Genomic context (GRCh38, chr17:31,326,163, plus strand): 5'-GTTTTCATAGACTGTCCTGGGAAACTGGCTGAGCACATAGAGCATGAACAACAGAAACTA[C>A]CTGCTGCCACCTTGGCTTTAGAAGAGGACCTGAAGGTATTCCACAATGCTCTCAAGCTAG-3'
Protein context (NP_001035957.1, residues 1717-1737): EHIEHEQQKL[Pro1727Thr]AATLALEEDL

ClinVar aggregate classification (germline): Uncertain significance (1 of 4 stars; one submission).

Submission:

GeneDx
Classification: Uncertain significance. Last evaluated: 2023-06-26. Review status: criteria provided, single submitter. Criteria: GeneDx Variant Classification Process June 2021. Collection method: clinical testing. Allele origin: germline. Affected: yes.
Comment: Not observed at significant frequency in large population cohorts (gnomAD); In silico analysis supports that this missense variant has a deleterious effect on protein structure/function; Has not been previously published as pathogenic or benign to our knowledge